The following is an entry in ClinVar:

ClinVar aggregate classification (germline): Uncertain significance (1 of 4 stars; one submission).

Conditions:
Familial hemophagocytic lymphohistiocytosis 3 (FHL3). Also called: UNC13D-Related Familial Hemophagocytic Lymphohistiocytosis (UNC13D-fHLH). Identifiers: Orphanet 540, MedGen C1837174, MONDO:0012146, OMIM 608898.

Allele frequency attached by ClinVar (database versions not stated): gnomAD exomes below 0.00001; TOPMed 0.00003.

Submission:

Labcorp Genetics (formerly Invitae), Labcorp
Classification: Uncertain significance for Familial hemophagocytic lymphohistiocytosis 3. Last evaluated: 2022-09-01. Review status: criteria provided, single submitter. Criteria: Invitae Variant Classification Sherloc (09022015). Collection method: clinical testing. Allele origin: germline.
Comment: This sequence change falls in intron 20 of the UNC13D gene. It does not directly change the encoded amino acid sequence of the UNC13D protein. It affects a nucleotide within the consensus splice site. This variant is not present in population databases (gnomAD no frequency). This variant has not been reported in the literature in individuals affected with UNC13D-related conditions. ClinVar contains an entry for this variant (Variation ID: 1515270). Variants that disrupt the consensus splice site are a relatively common cause of aberrant splicing (PMID: 17576681, 9536098). Algorithms developed to predict the effect of sequence changes on RNA splicing suggest that this variant is not likely to affect RNA splicing. In summary, the available evidence is currently insufficient to determine the role of this variant in disease. Therefore, it has been classified as a Variant of Uncertain Significance.

Literature cited by the submitters: PubMed 17576681; PubMed 9536098.

NM_199242.3(UNC13D):c.1849-3C>T

Gene: UNC13D (unc-13 homolog D; minus strand). Cytogenetic location: 17q25.1.
Variant type: single nucleotide variant.
Coding change: c.1849-3C>T on transcript NM_199242.3 (MANE Select); 3 bases into the intron before coding-DNA position 1849, C replaced by T.
Molecular consequence: intron variant.
Genome position (GRCh38, 1-based): chr17:75,835,066, G>A on the plus strand (C>T on the coding strand, the complement: UNC13D is on the minus strand). VCF-style: chr17-75835066-G-A. GRCh37 (hg19) VCF-style: chr17-73831147-G-A.
Identifiers: ClinVar variation 1515270 (VCV001515270.3), dbSNP rs971483041, ClinGen allele CA294086581.